The following is an entry in ClinVar:

NM_002272.4(KRT4):c.267T>C (p.Phe89=)

Gene: KRT4 (keratin 4; minus strand). Cytogenetic location: 12q13.13.
Variant type: single nucleotide variant.
Coding change: c.267T>C on transcript NM_002272.4 (MANE Select); coding-DNA position 267, T replaced by C.
Protein change: p.Phe89=; no amino-acid change (phenylalanine 89 retained).
Molecular consequence: synonymous variant.
Genome position (GRCh38, 1-based): chr12:52,813,792, A>G on the plus strand (T>C on the coding strand, the complement: KRT4 is on the minus strand). VCF-style: chr12-52813792-A-G. GRCh37 (hg19) VCF-style: chr12-53207576-A-G.
Identifiers: ClinVar variation 309706 (VCV000309706.6), dbSNP rs372168510, ClinGen allele CA6588791.

ClinVar aggregate classification (germline): Benign. Review status: criteria provided, multiple submitters, no conflicts (2 of 4 stars). 2 submissions from 2 submitters: Benign (2). Last evaluated 2018-01-13.

Conditions:
White sponge nevus 1. Also called: LEUKOKERATOSIS, HEREDITARY MUCOSAL. Identifiers: MedGen C4011926, MONDO:0008676, OMIM 193900.

Allele frequency attached by ClinVar (database versions not stated): TOPMed 0.00020; ESP Exome Variant Server 0.00024; 1000 Genomes Project 0.00399; gnomAD exomes 0.00657; gnomAD 0.01016 and 0.02952; ExAC 0.10810.

Submissions (2):

Illumina Laboratory Services, Illumina
Classification: Benign for White sponge nevus 1. Last evaluated: 2018-01-13. Review status: criteria provided, single submitter. Criteria: ICSL Variant Classification Criteria 13 December 2019. Collection method: clinical testing. Allele origin: germline.
Comment: This variant was observed in the ICSL laboratory as part of a predisposition screen in an ostensibly healthy population. It had not been previously curated by ICSL or reported in the Human Gene Mutation Database (HGMD: prior to June 1st, 2018), and was therefore a candidate for classification through an automated scoring system. Utilizing variant allele frequency, disease prevalence and penetrance estimates, and inheritance mode, an automated score was calculated to assess if this variant is too frequent to cause the disease. Based on the score and internal cut-off values, a variant classified as benign is not then subjected to further curation. The score for this variant resulted in a classification of benign for this disease.

Breakthrough Genomics
Classification: Benign. Review status: criteria provided, single submitter. Criteria: ACMG Guidelines, 2015. Collection method: not provided. Allele origin: germline. Inheritance: Autosomal dominant inheritance. Affected: yes.